The following is an entry in ClinVar:

NM_006031.6(PCNT):c.4520G>A (p.Arg1507His)

Gene: PCNT (pericentrin; plus strand). Cytogenetic location: 21q22.3.
Variant type: single nucleotide variant.
Coding change: c.4520G>A on transcript NM_006031.6 (MANE Select); coding-DNA position 4520, G replaced by A.
Protein change: p.Arg1507His; replaces arginine 1507 with histidine.
Molecular consequence: missense variant.
Genome position (GRCh38, 1-based): chr21:46,398,087, G>A. VCF-style: chr21-46398087-G-A. GRCh37 (hg19) VCF-style: chr21-47818001-G-A.
Other names: c.4166G>A, p.Arg1389His (NM_001315529.2); short protein forms R1389H, R1507H.
Identifiers: ClinVar variation 3305204 (VCV003305204.2).

ClinVar aggregate classification (germline): Uncertain significance. Review status: criteria provided, multiple submitters, no conflicts (2 of 4 stars). 2 submissions from 2 submitters: Uncertain significance (2). Last evaluated 2025-05-22.

Conditions:
PCNT-related disorder. Also called: PCNT-related condition.
Inborn genetic diseases. Identifiers: MedGen C0950123, MeSH D030342.

gnomAD v4.1: 18 of 1,596,588 alleles (0.0011%); highest among the groups gnomAD compares: East Asian, 0.018%; no homozygotes.

Submissions (2):

PreventionGenetics, part of Exact Sciences
Classification: Uncertain significance for PCNT-related condition. Last evaluated: 2025-05-22. Review status: criteria provided, single submitter. Criteria: ACMG Guidelines, 2015. Collection method: clinical testing. Allele origin: germline.
Comment: The PCNT c.4520G>A variant is predicted to result in the amino acid substitution p.Arg1507His. To our knowledge, this variant has not been reported in the literature. This variant is reported in 0.0032% of alleles in individuals of Latino descent in gnomAD. At this time, the clinical significance of this variant is uncertain due to the absence of conclusive functional and genetic evidence.

Ambry Genetics
Classification: Uncertain significance for Inborn genetic diseases. Last evaluated: 2024-06-17. Review status: criteria provided, single submitter. Criteria: Ambry Variant Classification Scheme 2023. Collection method: clinical testing. Allele origin: germline.